The following is an entry in ClinVar:

ClinVar aggregate classification (germline): Uncertain significance. Review status: criteria provided, multiple submitters, no conflicts (2 of 4 stars). 2 submissions from 2 submitters: Uncertain significance (2). Last evaluated 2023-09-12.

Conditions:
Hereditary cancer-predisposing syndrome. Also called: Neoplastic Syndromes, Hereditary; Hereditary neoplastic syndrome; Tumor predisposition; Hereditary Cancer Syndrome. Identifiers: Orphanet 140162, MedGen C0027672, MeSH D009386, MONDO:0015356.
Tuberous sclerosis 2 (TSC2). Identifiers: Orphanet 805, MedGen C1860707, MONDO:0013199, OMIM 613254.

Submissions (2):

Ambry Genetics
Classification: Uncertain significance for Hereditary cancer-predisposing syndrome. Last evaluated: 2023-09-12. Review status: criteria provided, single submitter. Criteria: Ambry Variant Classification Scheme 2023. Collection method: clinical testing. Allele origin: germline.
Comment: The c.2838-2A>C intronic variant results from an A to C substitution two nucleotides upstream from coding exon 25 in the TSC2 gene. This nucleotide position is highly conserved in available vertebrate species. In silico splice site analysis for this alteration is inconclusive. Alterations that disrupt the canonical splice site are expected to cause aberrant splicing. However, this variant is predicted to impact the splicing of an exon that is absent in biologically relevant transcripts (Ekong R et al. Hum.Mutat., 2016 Apr;37:364-70). Since supporting evidence is limited at this time, the clinical significance of this alteration remains unclear.

Labcorp Genetics (formerly Invitae), Labcorp
Classification: Uncertain significance for Tuberous sclerosis 2. Last evaluated: 2022-07-07. Review status: criteria provided, single submitter. Criteria: Invitae Variant Classification Sherloc (09022015). Collection method: clinical testing. Allele origin: germline.
Comment: This sequence change affects an acceptor splice site in intron 25 of the TSC2 gene. Loss-of-function variants in TSC2 are known to be pathogenic (PMID: 10205261, 17304050). However, tissue-specific alternative splicing of TSC2 gene results in a functional isoform lacking in-frame exon 26 (also known as exon 25, PMID: 26703369). For this reason the clinical significance of loss of function variants in exon 26 is currently uncertain. This variant is not present in population databases (gnomAD no frequency). In summary, the available evidence is currently insufficient to determine the role of this variant in disease. Therefore, it has been classified as a Variant of Uncertain Significance. Algorithms developed to predict the effect of sequence changes on RNA splicing suggest that this variant may disrupt the consensus splice site. This variant has not been reported in the literature in individuals affected with TSC2-related conditions.

Literature cited by the submitters: PubMed 10205261 (cited by Labcorp Genetics (formerly Invitae), Labcorp); PubMed 17304050 (cited by Labcorp Genetics (formerly Invitae), Labcorp).

NM_000548.5(TSC2):c.2838-2A>C

Gene: TSC2 (TSC complex subunit 2; plus strand). Cytogenetic location: 16p13.3.
Variant type: single nucleotide variant.
Coding change: c.2838-2A>C on transcript NM_000548.5 (MANE Select); the canonical splice acceptor site of the intron before coding-DNA position 2838, A replaced by C.
Molecular consequence: splice acceptor variant. On other transcripts: intron variant (31).
Genome position (GRCh38, 1-based): chr16:2,077,596, A>C. VCF-style: chr16-2077596-A-C. GRCh37 (hg19) VCF-style: chr16-2127597-A-C.
Other names: c.2838-2A>C (NM_001406663.1, NM_001406664.1, NM_000548.3 and 1 more transcripts); c.2837+1011A>C (NM_021055.3, NM_001370405.1, NM_001363528.2 and 3 more transcripts); c.1493+1011A>C (NM_001406694.1, NM_001406695.1, NM_001406696.1 and 5 more transcripts); c.2825+1011A>C (NM_001406671.1, NM_001406673.1); c.2375+1011A>C (NM_001406681.1); c.2727-2A>C (NM_001406670.1); c.2726+1011A>C (NM_001318827.2, NM_001406678.1); c.2238-2A>C (NM_001406682.1, NM_001406684.1, NM_001406680.1 and 1 more transcripts); and 8 more.
Identifiers: ClinVar variation 2014252 (VCV002014252.6), dbSNP rs2543971791, ClinGen allele CA394280694.
Genomic context (GRCh38, chr16:2,077,596, plus strand): 5'-TGTTCTCCCCTTCCCGGGAGCTGGGCTCTCTGGGGCGTTGGGGCTCCTTCCTCACCCGAT[A>C]GTCTGAGGATAGCCAGACCCCCCAAACAAGGCTTGAATAACTCTCCACCCGTGAAAGAAT-3'